The following is an entry in ClinVar:

ClinVar aggregate classification (germline): Uncertain significance (1 of 4 stars; one submission).

gnomAD v4.1: 79 of 1,613,972 alleles (0.0049%); highest among the groups gnomAD compares: Non-Finnish European, 0.0063%; no homozygotes.

Submission:

Labcorp Genetics (formerly Invitae), Labcorp
Classification: Uncertain significance. Last evaluated: 2023-04-19. Review status: criteria provided, single submitter. Criteria: Invitae Variant Classification Sherloc (09022015). Collection method: clinical testing. Allele origin: germline.
Comment: Experimental studies are conflicting or provide insufficient evidence to determine the effect of this variant on ZEB1 function (PMID: 20036349). In summary, the available evidence is currently insufficient to determine the role of this variant in disease. Therefore, it has been classified as a Variant of Uncertain Significance. Advanced modeling of protein sequence and biophysical properties (such as structural, functional, and spatial information, amino acid conservation, physicochemical variation, residue mobility, and thermodynamic stability) performed at Invitae indicates that this missense variant is not expected to disrupt ZEB1 protein function. This missense change has been observed in individual(s) with corneal dystrophy (PMID: 20036349). This variant is present in population databases (rs199944415, gnomAD 0.006%). This sequence change replaces glutamine, which is neutral and polar, with proline, which is neutral and non-polar, at codon 810 of the ZEB1 protein (p.Gln810Pro).

Literature cited by the submitters: PubMed 20036349.

NM_001174096.2(ZEB1):c.2432A>C (p.Gln811Pro)

Gene: ZEB1 (zinc finger E-box binding homeobox 1; plus strand). Cytogenetic location: 10p11.22.
Variant type: single nucleotide variant.
Coding change: c.2432A>C on transcript NM_001174096.2 (MANE Select); coding-DNA position 2432, A replaced by C.
Protein change: p.Gln811Pro; replaces glutamine 811 with proline.
Molecular consequence: missense variant.
Genome position (GRCh38, 1-based): chr10:31,521,764, A>C. VCF-style: chr10-31521764-A-C. GRCh37 (hg19) VCF-style: chr10-31810692-A-C.
Other names: c.2381A>C, p.Gln794Pro (NM_001128128.3); c.2369A>C, p.Gln790Pro (NM_001174093.2); c.2378A>C, p.Gln793Pro (NM_001174094.2); c.2228A>C, p.Gln743Pro (NM_001174095.2); c.1775A>C, p.Gln592Pro (NM_001323638.2, NM_001323641.2, NM_001323642.2 and 27 more transcripts); c.2207A>C, p.Gln736Pro (NM_001323674.2); c.2165A>C, p.Gln722Pro (NM_001323675.2); c.2390A>C, p.Gln797Pro (NM_001323676.2); and 3 more; short protein forms Q736P, Q810P, Q722P, Q790P, Q793P, Q796P, Q719P, Q794P.
Identifiers: ClinVar variation 2756146 (VCV002756146.3), dbSNP rs199944415, ClinGen allele CA5461785.
Genomic context (GRCh38, chr10:31,521,764, plus strand): 5'-TAAATGTAATCCCACCAAGTGCCAACCCCATAAATATCGCTATACCTACAGTCACTGCCC[A>C]GTTACCCACAATCGTGGCCATTGCTGACCAGAACAGTGTTCCATGCTTAAGAGCGCTAGC-3'
Protein context (NP_001167567.1, residues 801-821): INIAIPTVTA[Gln811Pro]LPTIVAIADQ